The following is an entry in ClinVar:

ClinVar aggregate classification (germline): Conflicting classifications of pathogenicity. Review status: criteria provided, conflicting classifications (1 of 4 stars). 3 submissions from 3 submitters: Uncertain significance (1); Likely benign (2). Last evaluated 2025-01-24.

Conditions:
TSEN34-related disorder. Also called: TSEN34-related condition.

Allele frequency attached by ClinVar (database versions not stated): gnomAD exomes 0.00022; ExAC 0.00028; ESP Exome Variant Server 0.00101; TOPMed 0.00103; gnomAD 0.00105 and 0.00108; 1000 Genomes Project 0.00180; 1000 Genomes Project 30x 0.00187.
gnomAD v4.1: 281 of 1,614,174 alleles (0.017%); highest among the groups gnomAD compares: African/African-American, 0.35%; no homozygotes.

Submissions (3):

PreventionGenetics, part of Exact Sciences
Classification: Likely benign for TSEN34-related condition. Last evaluated: 2025-01-24. Review status: criteria provided, single submitter. Criteria: ACMG Guidelines, 2015. Collection method: clinical testing. Allele origin: germline.
Comment: This variant is classified as likely benign based on ACMG/AMP sequence variant interpretation guidelines (Richards et al. 2015 PMID: 25741868, with internal and published modifications).

Labcorp Genetics (formerly Invitae), Labcorp
Classification: Likely benign. Last evaluated: 2022-12-29. Review status: criteria provided, single submitter. Criteria: Invitae Variant Classification Sherloc (09022015). Collection method: clinical testing. Allele origin: germline.

Genetic Services Laboratory, University of Chicago
Classification: Uncertain significance. Last evaluated: 2015-02-09. Review status: criteria provided, single submitter. Criteria: ACMG Guidelines, 2015. Collection method: clinical testing. Allele origin: germline.

NM_001077446.4(TSEN34):c.581C>T (p.Pro194Leu)

Gene: TSEN34 (tRNA splicing endonuclease subunit 34; plus strand). Cytogenetic location: 19q13.42.
Variant type: single nucleotide variant.
Coding change: c.581C>T on transcript NM_001077446.4 (MANE Select); coding-DNA position 581, C replaced by T.
Protein change: p.Pro194Leu; replaces proline 194 with leucine.
Molecular consequence: missense variant.
Genome position (GRCh38, 1-based): chr19:54,192,209, C>T. VCF-style: chr19-54192209-C-T. GRCh37 (hg19) VCF-style: chr19-54696060-C-T.
Other names: c.581C>T, p.Pro194Leu (NM_001282332.2, NM_001282333.2, NM_001386740.1 and 1 more transcripts); c.581C>T (NM_024075.4); short protein forms P194L.
Identifiers: ClinVar variation 212448 (VCV000212448.15), dbSNP rs200626822, ClinGen allele CA205487.